The following is an entry in ClinVar:

NM_001371596.2(MFSD8):c.154+2dup

Gene: MFSD8 (major facilitator superfamily domain containing 8; minus strand). Cytogenetic location: 4q28.2.
Variant type: Duplication.
Coding change: c.154+2dup on transcript NM_001371596.2 (MANE Select); the canonical splice donor site of the intron after coding-DNA position 154, one base duplicated (T; older notation c.154+2dupT).
Molecular consequence: splice donor variant.
Genome position (GRCh38, 1-based): chr4:127,957,499, A duplicated on the plus strand (T on the coding strand, the reverse complement: MFSD8 is on the minus strand). VCF-style (leftmost placement, unchanged base first): chr4-127957498-T-TA. GRCh37 (hg19) VCF-style: chr4-128878653-T-TA.
Other names: c.154+2dupT (NM_152778.2); c.19+2dup (NM_001371595.1, NM_001410765.1, NM_001371590.2); c.154+2dup (NM_152778.4, NM_001363521.3, NM_001410766.1 and 5 more transcripts).
Identifiers: ClinVar variation 503852 (VCV000503852.5), dbSNP rs1422791271, ClinGen allele CA554739861.

ClinVar aggregate classification (germline): Likely pathogenic (1 of 4 stars; one submission).

Allele frequency attached by ClinVar (database versions not stated): gnomAD exomes below 0.00001; TOPMed below 0.00001; gnomAD 0.00001.

Submission:

GeneDx
Classification: Likely pathogenic. Last evaluated: 2022-07-11. Review status: criteria provided, single submitter. Criteria: GeneDx Variant Classification Process June 2021. Collection method: clinical testing. Allele origin: germline. Affected: yes.
Comment: Intronic +5 splice site variant in a gene for which loss of function is a known mechanism of disease, and splice predictors support a deleterious effect; Not observed at significant frequency in large population cohorts (gnomAD); Has not been previously published as pathogenic or benign to our knowledge